The following is an entry in ClinVar:

NM_001017974.2(P4HA2):c.1434+8C>A

Gene: P4HA2 (prolyl 4-hydroxylase subunit alpha 2; minus strand). Cytogenetic location: 5q31.1.
Variant type: single nucleotide variant.
Coding change: c.1434+8C>A on transcript NM_001017974.2 (MANE Select); 8 bases into the intron after coding-DNA position 1434, C replaced by A.
Molecular consequence: intron variant.
Genome position (GRCh38, 1-based): chr5:132,195,404, G>T on the plus strand (C>A on the coding strand, the complement: P4HA2 is on the minus strand). VCF-style: chr5-132195404-G-T. GRCh37 (hg19) VCF-style: chr5-131531097-G-T.
Other names: c.1440+8C>A (NM_004199.2, NM_001365677.2, NM_001142599.2 and 1 more transcripts); c.1257+8C>A (NM_001365681.2); c.1434+8C>A (NM_001142598.2, NM_001365680.2, NM_001365678.2 and 1 more transcripts).
Identifiers: ClinVar variation 2655692 (VCV002655692.26), dbSNP rs116723404, ClinGen allele CA3402378.

ClinVar aggregate classification (germline): Benign/Likely benign. Review status: criteria provided, multiple submitters, no conflicts (2 of 4 stars). 3 submissions from 3 submitters: Benign (1); Likely benign (1). 1 of the submissions does not count toward it. Last evaluated 2024-09-13.

Conditions:
P4HA2-related disorder. Also called: P4HA2-related condition.

Allele frequency attached by ClinVar (database versions not stated): gnomAD exomes 0.00029; ExAC 0.00081; ESP Exome Variant Server 0.00215; 1000 Genomes Project 0.00459; 1000 Genomes Project 30x 0.00547.
gnomAD v4.1: 836 of 1,604,024 alleles (0.052%); highest among the groups gnomAD compares: African/African-American, 0.98%; 6 homozygotes.

Submissions (3):

Blueprint Genetics
Classification: Likely benign. Last evaluated: 2024-09-13. Review status: criteria provided, single submitter. Criteria: ACMG Guidelines, 2015. Collection method: clinical testing. Allele origin: germline.

CeGaT Center for Human Genetics Tuebingen
Classification: Benign. Last evaluated: 2022-05-01. Review status: criteria provided, single submitter. Criteria: CeGaT Center For Human Genetics Tuebingen Variant Classification Criteria Version 2. Collection method: clinical testing. Allele origin: germline. Affected: yes. Observed: 1 variant allele.
Comment: P4HA2: BP4, BS1, BS2

PreventionGenetics, part of Exact Sciences
Classification: Likely benign for P4HA2-related condition. Last evaluated: 2024-02-12. Review status: no assertion criteria provided. Collection method: clinical testing. Allele origin: germline. Not counted in ClinVar's aggregate classification.
Comment: This variant is classified as likely benign based on ACMG/AMP sequence variant interpretation guidelines (Richards et al. 2015 PMID: 25741868, with internal and published modifications).